The following is an entry in ClinVar:

NM_000535.7(PMS2):c.2327G>A (p.Trp776Ter)

Gene: PMS2 (PMS1 homolog 2, mismatch repair system component; minus strand). Cytogenetic location: 7p22.1.
Variant type: single nucleotide variant.
Coding change: c.2327G>A on transcript NM_000535.7 (MANE Select); coding-DNA position 2327, G replaced by A.
Protein change: p.Trp776Ter; replaces tryptophan 776 with a stop codon.
Molecular consequence: nonsense. On other transcripts: non-coding transcript variant (1).
Genome position (GRCh38, 1-based): chr7:5,977,706, C>T on the plus strand (G>A on the coding strand, the complement: PMS2 is on the minus strand). VCF-style: chr7-5977706-C-T. GRCh37 (hg19) VCF-style: chr7-6017337-C-T.
Other names: c.1922G>A, p.Trp641Ter (NM_001018040.1, NM_001322003.2, NM_001322004.2 and 12 more transcripts); c.2171G>A, p.Trp724Ter (NM_001322006.2); c.2009G>A, p.Trp670Ter (NM_001322007.2, NM_001322008.2, NM_001406883.1); c.1955G>A, p.Trp652Ter (NM_001322009.2, NM_001406887.1, NM_001406888.1); c.1766G>A, p.Trp589Ter (NM_001322010.2, NM_001406906.1, NM_001406907.1); c.1394G>A, p.Trp465Ter (NM_001322011.2, NM_001322012.2); c.1754G>A, p.Trp585Ter (NM_001322013.2, NM_001406908.1, NM_001406909.1); c.2360G>A, p.Trp787Ter (NM_001322014.2); and 20 more; short protein forms W375*, W465*, W519*, W537*, W585*, W589*, W605*, W614*.
Identifiers: ClinVar variation 2504740 (VCV002504740.2), dbSNP rs2128674870, ClinGen allele CA366735976.
Genomic context (GRCh38, chr7:5,977,706, plus strand): 5'-ACCCCAGGGCTGTCGCTCAGCATGAAGATCAGTTCATCGACGTCCTGGGGTCCGAAGGTC[C>T]AGTTTTTACTAGTTGGCAAGGAAATCAGTTTAGCCCTTTCAGTGACTGGAGCTAAAAGAA-3'

ClinVar aggregate classification (germline): Pathogenic (1 of 4 stars; one submission).

Submission:

GeneDx
Classification: Pathogenic. Last evaluated: 2025-11-23. Review status: criteria provided, single submitter. Criteria: GeneDx Variant Classification Process June 2021. Collection method: clinical testing. Allele origin: germline.
Comment: Nonsense variant predicted to result in protein truncation or nonsense mediated decay in a gene for which loss of function is a known mechanism of disease; Not observed at significant frequency in large population cohorts (gnomAD); Truncating variants in this gene are considered pathogenic by a well-established clinical consortium and/or database; Has not been previously published as pathogenic or benign to our knowledge